The following is an entry in ClinVar:

ClinVar aggregate classification (germline): Uncertain significance. Review status: criteria provided, multiple submitters, no conflicts (2 of 4 stars). 2 submissions from 2 submitters: Uncertain significance (2). Last evaluated 2024-08-10.

Conditions:
Hereditary cancer-predisposing syndrome. Also called: Hereditary neoplastic syndrome; Neoplastic Syndromes, Hereditary; Hereditary Cancer Syndrome; Tumor predisposition. Identifiers: Orphanet 140162, MedGen C0027672, MeSH D009386, MONDO:0015356.
Rhabdoid tumor predisposition syndrome 2 (RTPS2). Identifiers: Orphanet 231108, Orphanet 69077, MedGen C2750074, MONDO:0013224, OMIM 613325.

Allele frequency attached by ClinVar (database versions not stated): TOPMed below 0.00001.

Submissions (2):

Labcorp Genetics (formerly Invitae), Labcorp
Classification: Uncertain significance for Rhabdoid tumor predisposition syndrome 2. Last evaluated: 2024-08-10. Review status: criteria provided, single submitter. Criteria: Invitae Variant Classification Sherloc (09022015). Collection method: clinical testing. Allele origin: germline.
Comment: This sequence change replaces lysine, which is basic and polar, with arginine, which is basic and polar, at codon 1524 of the SMARCA4 protein (p.Lys1524Arg). This variant is not present in population databases (gnomAD no frequency). This variant has not been reported in the literature in individuals affected with SMARCA4-related conditions. ClinVar contains an entry for this variant (Variation ID: 1484601). Advanced modeling of protein sequence and biophysical properties (such as structural, functional, and spatial information, amino acid conservation, physicochemical variation, residue mobility, and thermodynamic stability) performed at Invitae indicates that this missense variant is not expected to disrupt SMARCA4 protein function with a negative predictive value of 95%. In summary, the available evidence is currently insufficient to determine the role of this variant in disease. Therefore, it has been classified as a Variant of Uncertain Significance.

Ambry Genetics
Classification: Uncertain significance for Hereditary cancer-predisposing syndrome. Last evaluated: 2024-02-22. Review status: criteria provided, single submitter. Criteria: Ambry Variant Classification Scheme 2023. Collection method: clinical testing. Allele origin: germline.
Comment: The p.K1524R variant (also known as c.4571A>G), located in coding exon 31 of the SMARCA4 gene, results from an A to G substitution at nucleotide position 4571. The lysine at codon 1524 is replaced by arginine, an amino acid with highly similar properties. This amino acid position is highly conserved in available vertebrate species. In addition, this alteration is predicted to be tolerated by in silico analysis. Based on the available evidence, the clinical significance of this alteration remains unclear.

NM_003072.5(SMARCA4):c.4475A>G (p.Lys1492Arg)

Gene: SMARCA4 (SWI/SNF related BAF chromatin remodeling complex subunit ATPase 4; plus strand). Cytogenetic location: 19p13.2.
Variant type: single nucleotide variant.
Coding change: c.4475A>G on transcript NM_003072.5 (MANE Select); coding-DNA position 4475, A replaced by G.
Protein change: p.Lys1492Arg; replaces lysine 1492 with arginine.
Molecular consequence: missense variant. On other transcripts: non-coding transcript variant (1).
Genome position (GRCh38, 1-based): chr19:11,058,305, A>G. VCF-style: chr19-11058305-A-G. GRCh37 (hg19) VCF-style: chr19-11168981-A-G.
Other names: c.4571A>G (NM_001128849.1); c.4475A>G, p.Lys1492Arg (NM_001128844.3); c.4385A>G, p.Lys1462Arg (NM_001128845.2); c.4382A>G, p.Lys1461Arg (NM_001128846.2); c.4376A>G, p.Lys1459Arg (NM_001128847.4, NM_001374457.1); c.4373A>G, p.Lys1458Arg (NM_001128848.2); c.4571A>G, p.Lys1524Arg (NM_001128849.3, NM_001387283.1); short protein forms K1461R, K1524R, K1492R, K1458R, K1459R, K1462R.
Identifiers: ClinVar variation 1484601 (VCV001484601.9), dbSNP rs1188183781, ClinGen allele CA404077579.
Genomic context (GRCh38, chr19:11,058,305, plus strand): 5'-TGCCTTGCAGCAGCAGTGGACGTCAGCTCAGCGAGGTCTTCATCCAGCTGCCCTCGCGAA[A>G]GGAGCTGCCCGAGTACTACGAGCTCATCCGCAAGCCCGTGGACTTCAAGAAGATAAAGGT-3'
Protein context (NP_003063.2, residues 1482-1502): SEVFIQLPSR[Lys1492Arg]ELPEYYELIR